The following is an entry in ClinVar:

ClinVar aggregate classification (germline): Conflicting classifications of pathogenicity. Review status: criteria provided, conflicting classifications (1 of 4 stars). 3 submissions from 3 submitters: Uncertain significance (2); Likely benign (1). Last evaluated 2026-07-10.

Conditions:
Dyskeratosis congenita, autosomal dominant 2. Identifiers: MedGen C3151443, MONDO:0013521, OMIM 613989.
Idiopathic Pulmonary Fibrosis. Also called: Idiopathic fibrosing alveolitis, chronic form; idiopathic fibrosing alveolitis. Identifiers: Orphanet 2032, MedGen C1800706, MeSH D054990, MONDO:0800504.
Dyskeratosis congenita. Identifiers: Orphanet 1775, MedGen C0265965, MONDO:0015780.

Allele frequency attached by ClinVar (database versions not stated): gnomAD exomes below 0.00001 and 0.00001; TOPMed 0.00001.
gnomAD v4.1: 4 of 1,613,388 alleles (0.00025%); highest among the groups gnomAD compares: Admixed American, 0.0017%; no homozygotes.

Submissions (3):

Ambry Genetics
Classification: Likely benign for Dyskeratosis congenita. Last evaluated: 2026-07-10. Review status: criteria provided, single submitter. Criteria: Ambry Variant Classification Scheme 2023. Collection method: clinical testing. Allele origin: germline.

Labcorp Genetics (formerly Invitae), Labcorp
Classification: Uncertain significance for Dyskeratosis congenita, autosomal dominant 2; Idiopathic Pulmonary Fibrosis. Last evaluated: 2026-01-26. Review status: criteria provided, single submitter. Criteria: Invitae Variant Classification Sherloc (09022015). Collection method: clinical testing. Allele origin: germline.
Comment: This sequence change replaces lysine, which is basic and polar, with arginine, which is basic and polar, at codon 502 of the TERT protein (p.Lys502Arg). This variant is present in population databases (no rsID available, gnomAD 0.003%). This variant has not been reported in the literature in individuals affected with TERT-related conditions. ClinVar contains an entry for this variant (Variation ID: 410670). Invitae Evidence Modeling of protein sequence and biophysical properties (such as structural, functional, and spatial information, amino acid conservation, physicochemical variation, residue mobility, and thermodynamic stability) indicates that this missense variant is not expected to disrupt TERT protein function with a negative predictive value of 95%. In summary, the available evidence is currently insufficient to determine the role of this variant in disease. Therefore, it has been classified as a Variant of Uncertain Significance.

Dasa
Classification: Uncertain significance. Last evaluated: 2025-12-17. Review status: criteria provided, single submitter. Criteria: DASA Assertion Criteria. Collection method: clinical testing. Allele origin: germline.
Comment: NM_198253.3(TERT):c.1505A>G (p.Lys502Arg) is a missense variant that results in the substitution of lysine with arginine. This variant is rare in population databases. Computational prediction algorithms are consistent with a benign effect. The currently available literature and clinical evidence are not sufficient to establish a definitive association between this variant and the reported condition. Therefore, this variant is classified as a variant of uncertain significance.

NM_198253.3(TERT):c.1505A>G (p.Lys502Arg)

Gene: TERT (telomerase reverse transcriptase; minus strand). Cytogenetic location: 5p15.33.
Variant type: single nucleotide variant.
Coding change: c.1505A>G on transcript NM_198253.3 (MANE Select); coding-DNA position 1505, A replaced by G.
Protein change: p.Lys502Arg; replaces lysine 502 with arginine.
Molecular consequence: missense variant. On other transcripts: non-coding transcript variant (2).
Genome position (GRCh38, 1-based): chr5:1,293,381, T>C on the plus strand (A>G on the coding strand, the complement: TERT is on the minus strand). VCF-style: chr5-1293381-T-C. GRCh37 (hg19) VCF-style: chr5-1293496-T-C.
Other names: c.1505A>G, p.Lys502Arg (NM_001193376.3); short protein forms K502R.
Identifiers: ClinVar variation 410670 (VCV000410670.14), dbSNP rs896201074, ClinGen allele CA16611726.